The following is an entry in ClinVar:

NM_000059.4(BRCA2):c.495del (p.His166fs)

Gene: BRCA2 (BRCA2 DNA repair associated; plus strand). Cytogenetic location: 13q13.1.
Variant type: Deletion.
Coding change: c.495del on transcript NM_000059.4 (MANE Select); coding-DNA position 495, one base deleted (T; older notation c.495delT).
Protein change: p.His166fs; shifts the reading frame from histidine 166.
Molecular consequence: frameshift variant.
Genome position (GRCh38, 1-based): chr13:32,326,261, T deleted; the last of 3 consecutive T bases (chr13:32,326,259-32,326,261); deleting any one gives the same sequence. VCF-style (leftmost placement, unchanged base first): chr13-32326258-GT-G. GRCh37 (hg19) VCF-style: chr13-32900395-GT-G.
Other names: c.494delT (NM_000059.3); short protein forms H166fs.
Identifiers: ClinVar variation 431287 (VCV000431287.1), dbSNP rs1135401890, ClinGen allele CA645372978.
Genomic context (GRCh38, chr13:32,326,258, plus strand): 5'-AATAAAAATAAAACTTAACAATTTTCCCCTTTTTTTACCCCCAGTGGTATGTGGGAGTTT[GT>G]TTCATACACCAAAGTTTGTGAAGGTAAATATTCTACCTGGTTTATTTTTATGACTTAGTA-3'

ClinVar aggregate classification (germline): Pathogenic. Review status: reviewed by expert panel (3 of 4 stars). 2 submissions from 2 submitters: Pathogenic (1). 1 of the submissions does not count toward it. Last evaluated 2017-12-15.

Conditions:
Breast-ovarian cancer, familial, susceptibility to, 2 (BROVCA2). Also called: BRCA2 Hereditary Breast and Ovarian Cancer. Identifiers: Orphanet 145, MedGen C2675520, MONDO:0012933, OMIM 612555. Disease mechanism: loss of function.
Hereditary breast ovarian cancer syndrome. Also called: BRCA1- and BRCA2-Associated Hereditary Breast and Ovarian Cancer; Hereditary breast and/or ovarian cancer syndrome; Hereditary breast and ovarian cancer; Hereditary breast and ovarian cancer syndrome; Hereditary breast and ovarian cancer syndrome (HBOC); Breast and ovarian cancer. Identifiers: Orphanet 145, MedGen C0677776, MeSH D061325, MONDO:0003582. Disease mechanism: loss of function.

Submissions (2):

Evidence-based Network for the Interpretation of Germline Mutant Alleles (ENIGMA)
Classification: Pathogenic for Breast-ovarian cancer, familial, susceptibility to, 2. Last evaluated: 2017-12-15. Review status: reviewed by expert panel. Criteria: ENIGMA BRCA1/2 Classification Criteria (2017-06-29). Collection method: curation. Allele origin: germline. Study: ENIGMA.
Comment: Variant allele predicted to encode a truncated non-functional protein.

Research Molecular Genetics Laboratory, Women's College Hospital, University of Toronto
Classification: Pathogenic for Hereditary breast ovarian cancer syndrome. Last evaluated: 2014-01-31. Review status: no assertion criteria provided. Collection method: research. Allele origin: germline. Affected: yes. Study: The Canadian Open Genetics Repository (COGR). Not counted in ClinVar's aggregate classification.